The following is an entry in ClinVar:

ClinVar aggregate classification (germline): Uncertain significance. Review status: criteria provided, multiple submitters, no conflicts (2 of 4 stars). 2 submissions from 2 submitters: Uncertain significance (2). Last evaluated 2022-02-28.

Conditions:
Adenylosuccinate lyase deficiency (ADSLD). Also called: ADSL DEFICIENCY. Identifiers: Orphanet 46, MedGen C0268126, MONDO:0007068, OMIM 103050.

Allele frequency attached by ClinVar (database versions not stated): gnomAD exomes 0.00001; ExAC 0.00002.
gnomAD v4.1: 14 of 1,614,066 alleles (0.00087%); highest among the groups gnomAD compares: South Asian, 0.015%; no homozygotes.

Submissions (2):

Labcorp Genetics (formerly Invitae), Labcorp
Classification: Uncertain significance for Adenylosuccinate lyase deficiency. Last evaluated: 2022-02-28. Review status: criteria provided, single submitter. Criteria: Invitae Variant Classification Sherloc (09022015). Collection method: clinical testing. Allele origin: germline.
Comment: In summary, the available evidence is currently insufficient to determine the role of this variant in disease. Therefore, it has been classified as a Variant of Uncertain Significance. This sequence change replaces serine, which is neutral and polar, with phenylalanine, which is neutral and non-polar, at codon 447 of the ADSL protein (p.Ser447Phe). This variant is present in population databases (rs749427506, gnomAD 0.01%). This variant has not been reported in the literature in individuals affected with ADSL-related conditions. ClinVar contains an entry for this variant (Variation ID: 388769). Algorithms developed to predict the effect of missense changes on protein structure and function are either unavailable or do not agree on the potential impact of this missense change (SIFT: "Tolerated"; PolyPhen-2: "Possibly Damaging"; Align-GVGD: "Class C0"). This variant disrupts the p.Ser447 amino acid residue in ADSL. Other variant(s) that disrupt this residue have been determined to be pathogenic (PMID: 12016589). This suggests that this residue is clinically significant, and that variants that disrupt this residue are likely to be disease-causing.

GeneDx
Classification: Uncertain significance. Last evaluated: 2016-08-18. Review status: criteria provided, single submitter. Criteria: GeneDx Variant Classification (06012015). Collection method: clinical testing. Allele origin: germline. Affected: yes.
Comment: A variant of uncertain significance has been identified in the ADSL gene. The S447F variant has not been published as a pathogenic variant, nor has it been reported as a benign variant to our knowledge. It was not observed in approximately 6,500 individuals of European and African American ancestry in the NHLBI Exome Sequencing Project, indicating it is not a common benign variant in these populations. The S447F variant is a non-conservative amino acid substitution, which is likely to impact secondary protein structure as these residues differ in polarity, charge, size and/or other properties. A different amino acid at the same position (S447P) and multiple missense variants in nearby residues have been reported in Human Gene Mutation Database in association with ADSL deficiency (Stenson et al., 2014), supporting the functional importance of this region of the protein. However, this substitution occurs at a position that is not conserved, and in silico analysis is inconsistent in its predictions as to whether or not the variant is damaging to the protein structure/function. Therefore, based on the currently available information, it is unclear whether this variant is a pathogenic variant or a rare benign variant.

Literature cited by the submitters: PubMed 12016589 (cited by Labcorp Genetics (formerly Invitae), Labcorp).

NM_000026.4(ADSL):c.1340C>T (p.Ser447Phe)

Gene: ADSL (adenylosuccinate lyase; plus strand). Cytogenetic location: 22q13.1.
Variant type: single nucleotide variant.
Coding change: c.1340C>T on transcript NM_000026.4 (MANE Select); coding-DNA position 1340, C replaced by T.
Protein change: p.Ser447Phe; replaces serine 447 with phenylalanine.
Molecular consequence: missense variant. On other transcripts: non-coding transcript variant (1), intron variant (1).
Genome position (GRCh38, 1-based): chr22:40,365,028, C>T. VCF-style: chr22-40365028-C-T. GRCh37 (hg19) VCF-style: chr22-40761032-C-T.
Other names: c.1148C>T, p.Ser383Phe (NM_001317923.2); c.1340C>T, p.Ser447Phe (NM_001363840.3); c.1191+663C>T (NM_001123378.3); short protein forms S447F, S383F.
Identifiers: ClinVar variation 388769 (VCV000388769.6), dbSNP rs749427506, ClinGen allele CA10247980.